The following is an entry in ClinVar:

ClinVar aggregate classification (germline): Uncertain significance. Review status: criteria provided, single submitter (1 of 4 stars). 2 submissions from 2 submitters: Uncertain significance (1). 1 of the submissions does not count toward it. Last evaluated 2025-11-03.

Conditions:
LRP5-related disorder. Also called: LRP5-related condition.

gnomAD v4.1: 17 of 1,614,036 alleles (0.0011%); highest among the groups gnomAD compares: Non-Finnish European, 0.0013%; no homozygotes.

Submissions (2):

Labcorp Genetics (formerly Invitae), Labcorp
Classification: Uncertain significance. Last evaluated: 2025-11-03. Review status: criteria provided, single submitter. Criteria: Invitae Variant Classification Sherloc (09022015). Collection method: clinical testing. Allele origin: germline.
Comment: This sequence change affects codon 629 of the LRP5 mRNA. It is a 'silent' change, meaning that it does not change the encoded amino acid sequence of the LRP5 protein. This variant is present in population databases (rs140958524, gnomAD 0.002%). This variant has not been reported in the literature in individuals affected with LRP5-related conditions. ClinVar contains an entry for this variant (Variation ID: 3347158). Algorithms developed to predict the effect of sequence changes on RNA splicing suggest that this variant may create or strengthen a splice site. In summary, the available evidence is currently insufficient to determine the role of this variant in disease. Therefore, it has been classified as a Variant of Uncertain Significance.

PreventionGenetics, part of Exact Sciences
Classification: Uncertain significance for LRP5-related condition. Last evaluated: 2024-07-30. Review status: no assertion criteria provided. Collection method: clinical testing. Allele origin: germline. Not counted in ClinVar's aggregate classification.
Comment: The LRP5 c.1887C>A variant is not predicted to result in an amino acid change (p.=). This variant is predicted to create a cryptic splice acceptor site based on available splicing prediction programs (Alamut Visual Plus v1.6.1; SpliceAI, Jaganathan et al. 2019. PubMed ID: 30661751). However, the use of computer prediction programs is not equivalent to functional evidence. To our knowledge, this variant has not been reported in the literature. This variant is reported in 0.0023% of alleles in individuals of European (Non-Finnish) descent in gnomAD. At this time, the clinical significance of this variant is uncertain due to the absence of conclusive functional and genetic evidence.

NM_002335.4(LRP5):c.1887C>A (p.Ile629=)

Gene: LRP5 (LDL receptor related protein 5; plus strand). Cytogenetic location: 11q13.2.
Variant type: single nucleotide variant.
Coding change: c.1887C>A on transcript NM_002335.4 (MANE Select); coding-DNA position 1887, C replaced by A.
Protein change: p.Ile629=; no amino-acid change (isoleucine 629 retained).
Molecular consequence: synonymous variant.
Genome position (GRCh38, 1-based): chr11:68,406,609, C>A. VCF-style: chr11-68406609-C-A. GRCh37 (hg19) VCF-style: chr11-68174077-C-A.
Other names: c.144C>A, p.Ile48= (NM_001291902.2).
Identifiers: ClinVar variation 3347158 (VCV003347158.2).